The following is an entry in ClinVar:

NM_000081.4(LYST):c.6479A>G (p.Lys2160Arg)

Gene: LYST (lysosomal trafficking regulator; minus strand). Cytogenetic location: 1q42.3.
Variant type: single nucleotide variant.
Coding change: c.6479A>G on transcript NM_000081.4 (MANE Select); coding-DNA position 6479, A replaced by G.
Protein change: p.Lys2160Arg; replaces lysine 2160 with arginine.
Molecular consequence: missense variant.
Genome position (GRCh38, 1-based): chr1:235,759,374, T>C on the plus strand (A>G on the coding strand, the complement: LYST is on the minus strand). VCF-style: chr1-235759374-T-C. GRCh37 (hg19) VCF-style: chr1-235922674-T-C.
Other names: c.6479A>G (NM_000081.2, NM_000081.3); c.6479A>G, p.Lys2160Arg (NM_001301365.1); short protein forms K2160R.
Identifiers: ClinVar variation 1509758 (VCV001509758.5), dbSNP rs200381916, ClinGen allele CA39616203.

ClinVar aggregate classification (germline): Uncertain significance. Review status: criteria provided, multiple submitters, no conflicts (2 of 4 stars). 4 submissions from 4 submitters: Uncertain significance (4). Last evaluated 2026-01-14.

Conditions:
LYST-related disorder. Also called: LYST-related condition.
Inborn genetic diseases. Identifiers: MedGen C0950123, MeSH D030342.
Chédiak-Higashi syndrome (CHS). Also called: Chediak-Higashi Syndrome. Identifiers: Orphanet 167, MedGen C0007965, MONDO:0008963, OMIM 214500.

Allele frequency attached by ClinVar (database versions not stated): gnomAD 0.00001; gnomAD exomes 0.00002; 1000 Genomes Project 30x 0.00016; 1000 Genomes Project 0.00020.
gnomAD v4.1: 26 of 1,614,192 alleles (0.0016%); highest among the groups gnomAD compares: Middle Eastern, 0.016%; no homozygotes.

Submissions (4):

PreventionGenetics, part of Exact Sciences
Classification: Uncertain significance for LYST-related condition. Last evaluated: 2026-01-14. Review status: criteria provided, single submitter. Criteria: ACMG Guidelines, 2015. Collection method: clinical testing. Allele origin: germline.
Comment: The LYST c.6479A>G variant is predicted to result in the amino acid substitution p.Lys2160Arg. To our knowledge, this variant has not been reported in the literature. This variant is reported in 0.00088% of alleles in individuals of European (Non-Finnish) descent in gnomAD. At this time, the clinical significance of this variant is uncertain due to the absence of conclusive functional and genetic evidence.

Ambry Genetics
Classification: Uncertain significance for Inborn genetic diseases. Last evaluated: 2022-06-28. Review status: criteria provided, single submitter. Criteria: Ambry Variant Classification Scheme 2023. Collection method: clinical testing. Allele origin: germline.

Labcorp Genetics (formerly Invitae), Labcorp
Classification: Uncertain significance for Chédiak-Higashi syndrome. Last evaluated: 2022-02-19. Review status: criteria provided, single submitter. Criteria: Invitae Variant Classification Sherloc (09022015). Collection method: clinical testing. Allele origin: germline.
Comment: This sequence change replaces lysine, which is basic and polar, with arginine, which is basic and polar, at codon 2160 of the LYST protein (p.Lys2160Arg). This variant is present in population databases (rs200381916, gnomAD 0.0009%). This variant has not been reported in the literature in individuals affected with LYST-related conditions. Algorithms developed to predict the effect of missense changes on protein structure and function output the following: SIFT: "Tolerated"; PolyPhen-2: "Benign"; Align-GVGD: "Class C0". The arginine amino acid residue is found in multiple mammalian species, which suggests that this missense change does not adversely affect protein function. In summary, the available evidence is currently insufficient to determine the role of this variant in disease. Therefore, it has been classified as a Variant of Uncertain Significance.

Blueprint Genetics
Classification: Uncertain significance. Last evaluated: 2020-09-03. Review status: criteria provided, single submitter. Criteria: ACMG Guidelines, 2015. Collection method: clinical testing. Allele origin: germline.